The following is an entry in ClinVar:

ClinVar aggregate classification (germline): Pathogenic. Review status: criteria provided, multiple submitters, no conflicts (2 of 4 stars). 3 submissions from 3 submitters: Pathogenic (3). Last evaluated 2023-11-04.

Conditions:
Usher syndrome type 2A. Also called: USHER SYNDROME, TYPE IIA; RETINAL DISEASE IN USHER SYNDROME TYPE IIA, MODIFIER OF. Identifiers: Orphanet 231178, Orphanet 886, MedGen C1848634, MONDO:0010169, OMIM 276901.

Submissions (3):

Genome-Nilou Lab
Classification: Pathogenic for Usher syndrome type 2A. Last evaluated: 2023-11-04. Review status: criteria provided, single submitter. Criteria: ACMG Guidelines, 2015. Collection method: clinical testing. Allele origin: germline. Affected: no.

3billion
Classification: Pathogenic for Usher syndrome type 2A. Last evaluated: 2022-01-03. Review status: criteria provided, single submitter. Criteria: ACMG Guidelines, 2015. Collection method: clinical testing. Allele origin: germline. Affected: yes. Observed: 1 homozygote.
Comment: Frameshift: predicted to result in a loss or disruption of normal protein function through nonsense-mediated decay (NMD) or protein truncation. Multiple pathogenic variants are reported downstream of the variant (PVS1_VS). It is not observed in the gnomAD v2.1.1 dataset (PM2_M). Patient’s phenotype is considered compatible with USH2A-related disorder (PP4_P). Therefore, this variant is classified as pathogenic according to the recommendation of ACMG/AMP guideline.

Labcorp Genetics (formerly Invitae), Labcorp
Classification: Pathogenic. Last evaluated: 2021-08-27. Review status: criteria provided, single submitter. Criteria: Invitae Variant Classification Sherloc (09022015). Collection method: clinical testing. Allele origin: germline.
Comment: For these reasons, this variant has been classified as Pathogenic. This sequence change creates a premature translational stop signal (p.Met4535Trpfs*15) in the USH2A gene. It is expected to result in an absent or disrupted protein product. Loss-of-function variants in USH2A are known to be pathogenic (PMID: 10729113, 10909849, 20507924, 25649381). This variant is not present in population databases (ExAC no frequency). This variant has not been reported in the literature in individuals affected with USH2A-related conditions.

Literature cited by the submitters: PubMed 10729113 (cited by Labcorp Genetics (formerly Invitae), Labcorp); PubMed 10909849 (cited by Labcorp Genetics (formerly Invitae), Labcorp); PubMed 20507924 (cited by Labcorp Genetics (formerly Invitae), Labcorp); PubMed 25649381 (cited by Labcorp Genetics (formerly Invitae), Labcorp).

NM_206933.4(USH2A):c.13599del (p.Met4535fs)

Gene: USH2A (usherin; minus strand). Cytogenetic location: 1q41.
Variant type: Deletion.
Coding change: c.13599del on transcript NM_206933.4 (MANE Select); coding-DNA position 13599, one base deleted (A; older notation c.13599delA).
Protein change: p.Met4535fs; shifts the reading frame from methionine 4535.
Molecular consequence: frameshift variant.
Genome position (GRCh38, 1-based): chr1:215,674,312, T deleted on the plus strand (A on the coding strand, the reverse complement: USH2A is on the minus strand). VCF-style (leftmost placement, unchanged base first): chr1-215674311-CT-C. GRCh37 (hg19) VCF-style: chr1-215847653-CT-C.
Other names: short protein forms M4535fs.
Identifiers: ClinVar variation 1333574 (VCV001333574.7), dbSNP rs2102664886, ClinGen allele CA2573051476.